The following is an entry in ClinVar:

NM_004523.4(KIF11):c.2078C>G (p.Thr693Ser)

Gene: KIF11 (kinesin family member 11; plus strand). Cytogenetic location: 10q23.33.
Variant type: single nucleotide variant.
Coding change: c.2078C>G on transcript NM_004523.4 (MANE Select); coding-DNA position 2078, C replaced by G.
Protein change: p.Thr693Ser; replaces threonine 693 with serine.
Molecular consequence: missense variant.
Genome position (GRCh38, 1-based): chr10:92,637,463, C>G. VCF-style: chr10-92637463-C-G. GRCh37 (hg19) VCF-style: chr10-94397220-C-G.
Other names: short protein forms T693S.
Identifiers: ClinVar variation 1521825 (VCV001521825.6), dbSNP rs1844818700, ClinGen allele CA377593366.

ClinVar aggregate classification (germline): Uncertain significance (1 of 4 stars; one submission).

Submission:

Labcorp Genetics (formerly Invitae), Labcorp
Classification: Uncertain significance. Last evaluated: 2021-09-29. Review status: criteria provided, single submitter. Criteria: Invitae Variant Classification Sherloc (09022015). Collection method: clinical testing. Allele origin: germline.
Comment: This variant is not present in population databases (ExAC no frequency). In summary, the available evidence is currently insufficient to determine the role of this variant in disease. Therefore, it has been classified as a Variant of Uncertain Significance. Algorithms developed to predict the effect of missense changes on protein structure and function (SIFT, PolyPhen-2, Align-GVGD) all suggest that this variant is likely to be tolerated. This variant has not been reported in the literature in individuals affected with KIF11-related conditions. This sequence change replaces threonine with serine at codon 693 of the KIF11 protein (p.Thr693Ser). The threonine residue is highly conserved and there is a small physicochemical difference between threonine and serine.